The following is an entry in ClinVar:

ClinVar aggregate classification (germline): Uncertain significance (1 of 4 stars; one submission).

gnomAD v4.1: 1 of 1,613,656 alleles (0.000062%); highest among the groups gnomAD compares: South Asian, 0.0011%; no homozygotes.

Submission:

GeneDx
Classification: Uncertain significance. Last evaluated: 2023-11-09. Review status: criteria provided, single submitter. Criteria: GeneDx Variant Classification Process June 2021. Collection method: clinical testing. Allele origin: germline. Affected: yes.
Comment: Not observed at significant frequency in large population cohorts (gnomAD); In silico analysis supports that this missense variant does not alter protein structure/function; Has not been previously published as pathogenic or benign to our knowledge

NM_018489.3(ASH1L):c.5060C>T (p.Ser1687Phe)

Gene: ASH1L (ASH1 like histone lysine methyltransferase; minus strand). Cytogenetic location: 1q22.
Variant type: single nucleotide variant.
Coding change: c.5060C>T on transcript NM_018489.3 (MANE Select); coding-DNA position 5060, C replaced by T.
Protein change: p.Ser1687Phe; replaces serine 1687 with phenylalanine.
Molecular consequence: missense variant.
Genome position (GRCh38, 1-based): chr1:155,459,823, G>A on the plus strand (C>T on the coding strand, the complement: ASH1L is on the minus strand). VCF-style: chr1-155459823-G-A. GRCh37 (hg19) VCF-style: chr1-155429614-G-A.
Other names: c.5060C>T, p.Ser1687Phe (NM_001366177.2); short protein forms S1687F.
Identifiers: ClinVar variation 3364268 (VCV003364268.1).